The following is an entry in ClinVar:

ClinVar aggregate classification (germline): Uncertain significance (1 of 4 stars; one submission).

Conditions:
Early-infantile DEE. Also called: Early infantile epileptic encephalopathy; Ohtahara syndrome; Early infantile epileptic encephalopathy with suppression bursts. Identifiers: Orphanet 1934, MedGen C0393706, MONDO:0800491.

Submission:

Labcorp Genetics (formerly Invitae), Labcorp
Classification: Uncertain significance for Early-infantile DEE. Last evaluated: 2024-05-15. Review status: criteria provided, single submitter. Criteria: Invitae Variant Classification Sherloc (09022015). Collection method: clinical testing. Allele origin: germline.
Comment: This sequence change falls in intron 20 of the SCN1A gene. It does not directly change the encoded amino acid sequence of the SCN1A protein. However, this sequence change falls within a region encompassing a cryptic exon in the SCN1A gene, in which variants have been shown to alter splicing (PMID: 30526861, 34107977). This variant is not present in population databases (gnomAD no frequency). This variant has not been reported in the literature in individuals affected with SCN1A-related conditions. ClinVar contains an entry for this variant (Variation ID: 2124212). Algorithms developed to predict the effect of sequence changes on RNA splicing suggest that this variant is not likely to affect RNA splicing. In summary, the available evidence is currently insufficient to determine the role of this variant in disease. Therefore, it has been classified as a Variant of Uncertain Significance.

Literature cited by the submitters: PubMed 30526861; PubMed 34107977.

NM_001165963.4(SCN1A):c.4002+2499T>C

Genes: SCN1A (sodium voltage-gated channel alpha subunit 1; minus strand), LOC102724058 (uncharacterized LOC102724058; plus strand). Cytogenetic location: 2q24.3.
Variant type: single nucleotide variant.
Coding change: c.4002+2499T>C on transcript NM_001165963.4 (MANE Select); 2499 bases into the intron after coding-DNA position 4002, T replaced by C.
Molecular consequence: intron variant.
Genome position (GRCh38, 1-based): chr2:166,007,220, A>G on the plus strand (T>C on the coding strand, the complement: SCN1A is on the minus strand). VCF-style: chr2-166007220-A-G. GRCh37 (hg19) VCF-style: chr2-166863730-A-G.
Other names: c.3969+2499T>C (NM_001353949.2, NM_001353950.2, NM_001353951.2 and 2 more transcripts); c.3918+2499T>C (NM_001353958.2, NM_001353957.2, NM_001165964.3); c.4002+2499T>C (NM_001202435.3, NM_001353948.2); c.3966+2499T>C (NM_001353955.2, NM_001353954.2); c.3915+2499T>C (NM_001353960.2); c.1560+2499T>C (NM_001353961.2).
Identifiers: ClinVar variation 2124212 (VCV002124212.4), dbSNP rs1438349926, ClinGen allele CA2580064264.